The following is an entry in ClinVar:

NM_172107.4(KCNQ2):c.2208C>T (p.His736=)

Gene: KCNQ2 (potassium voltage-gated channel subfamily Q member 2; minus strand). Cytogenetic location: 20q13.33.
Variant type: single nucleotide variant.
Coding change: c.2208C>T on transcript NM_172107.4 (MANE Select); coding-DNA position 2208, C replaced by T.
Protein change: p.His736=; no amino-acid change (histidine 736 retained).
Molecular consequence: synonymous variant.
Genome position (GRCh38, 1-based): chr20:63,407,055, G>A on the plus strand (C>T on the coding strand, the complement: KCNQ2 is on the minus strand). VCF-style: chr20-63407055-G-A. GRCh37 (hg19) VCF-style: chr20-62038408-G-A.
Other names: c.2124C>T, p.His708= (NM_004518.6); c.2154C>T, p.His718= (NM_172106.3); c.2115C>T, p.His705= (NM_172108.5).
Identifiers: ClinVar variation 388669 (VCV000388669.6), dbSNP rs566020693, ClinGen allele CA9958125.

ClinVar aggregate classification (germline): Likely benign. Review status: criteria provided, multiple submitters, no conflicts (2 of 4 stars). 2 submissions from 2 submitters: Likely benign (2). Last evaluated 2026-01-21.

Conditions:
Early-infantile DEE. Also called: Early infantile epileptic encephalopathy with suppression bursts; Early infantile epileptic encephalopathy; Ohtahara syndrome. Identifiers: Orphanet 1934, MedGen C0393706, MONDO:0800491.

Allele frequency attached by ClinVar (database versions not stated): gnomAD 0.00001; gnomAD exomes 0.00001 and 0.00003; TOPMed 0.00001; ExAC 0.00012; 1000 Genomes Project 30x 0.00016; 1000 Genomes Project 0.00020.
gnomAD v4.1: 18 of 1,521,084 alleles (0.0012%); highest among the groups gnomAD compares: South Asian, 0.0098%; no homozygotes.

Submissions (2):

Labcorp Genetics (formerly Invitae), Labcorp
Classification: Likely benign for Early-infantile DEE. Last evaluated: 2026-01-21. Review status: criteria provided, single submitter. Criteria: Invitae Variant Classification Sherloc (09022015). Collection method: clinical testing. Allele origin: germline.

GeneDx
Classification: Likely benign. Last evaluated: 2017-10-24. Review status: criteria provided, single submitter. Criteria: GeneDx Variant Classification (06012015). Collection method: clinical testing. Allele origin: germline. Affected: yes.
Comment: This variant is considered likely benign or benign based on one or more of the following criteria: it is a conservative change, it occurs at a poorly conserved position in the protein, it is predicted to be benign by multiple in silico algorithms, and/or has population frequency not consistent with disease.